The following is an entry in ClinVar:

ClinVar aggregate classification (germline): Uncertain significance. Review status: criteria provided, multiple submitters, no conflicts (2 of 4 stars). 2 submissions from 2 submitters: Uncertain significance (2). Last evaluated 2025-04-23.

Conditions:
Nephrolithiasis/nephrocalcinosis. Identifiers: MedGen CN580796.
Familial hypocalciuric hypercalcemia (FHH). Also called: Familial benign hypercalcemia. Identifiers: Orphanet 405, MedGen C1809471, MONDO:0018458.
Autosomal dominant hypocalcemia 1 (HYPOC1). Also called: HYPOCALCEMIA, FAMILIAL. Identifiers: MedGen C3715128, MONDO:0011013, OMIM 601198.

Allele frequency attached by ClinVar (database versions not stated): TOPMed 0.00001; gnomAD exomes 0.00001.
gnomAD v4.1: 11 of 1,613,990 alleles (0.00068%); highest among the groups gnomAD compares: Non-Finnish European, 0.00093%; no homozygotes.

Submissions (2):

Labcorp Genetics (formerly Invitae), Labcorp
Classification: Uncertain significance for Familial hypocalciuric hypercalcemia; Autosomal dominant hypocalcemia 1. Last evaluated: 2025-04-23. Review status: criteria provided, single submitter. Criteria: Invitae Variant Classification Sherloc (09022015). Collection method: clinical testing. Allele origin: germline.
Comment: This sequence change replaces serine, which is neutral and polar, with phenylalanine, which is neutral and non-polar, at codon 490 of the CASR protein (p.Ser490Phe). This variant is present in population databases (rs202112921, gnomAD 0.0009%). This variant has not been reported in the literature in individuals affected with CASR-related conditions. ClinVar contains an entry for this variant (Variation ID: 665561). An algorithm developed to predict the effect of missense changes on protein structure and function (PolyPhen-2) suggests that this variant is likely to be disruptive. In summary, the available evidence is currently insufficient to determine the role of this variant in disease. Therefore, it has been classified as a Variant of Uncertain Significance.

Ambry Genetics
Classification: Uncertain significance for Nephrolithiasis/nephrocalcinosis. Last evaluated: 2022-04-07. Review status: criteria provided, single submitter. Criteria: Ambry Variant Classification Scheme 2023. Collection method: clinical testing. Allele origin: germline.
Comment: The p.S490F variant (also known as c.1469C>T), located in coding exon 4 of the CASR gene, results from a C to T substitution at nucleotide position 1469. The serine at codon 490 is replaced by phenylalanine, an amino acid with highly dissimilar properties. This amino acid position is conserved. In addition, this alteration is predicted to be deleterious by in silico analysis. Since supporting evidence is limited at this time, the clinical significance of this alteration remains unclear.

NM_000388.4(CASR):c.1469C>T (p.Ser490Phe)

Gene: CASR (calcium sensing receptor; plus strand). Cytogenetic location: 3q21.1.
Variant type: single nucleotide variant.
Coding change: c.1469C>T on transcript NM_000388.4 (MANE Select); coding-DNA position 1469, C replaced by T.
Protein change: p.Ser490Phe; replaces serine 490 with phenylalanine.
Molecular consequence: missense variant.
Genome position (GRCh38, 1-based): chr3:122,275,903, C>T. VCF-style: chr3-122275903-C-T. GRCh37 (hg19) VCF-style: chr3-121994750-C-T.
Other names: c.1469C>T, p.Ser490Phe (NM_001178065.2); short protein forms S490F.
Identifiers: ClinVar variation 665561 (VCV000665561.11), dbSNP rs202112921, ClinGen allele CA82745953.